The following is an entry in ClinVar:

NM_000536.4(RAG2):c.1491_1506A[6]GCCTCCAATGGGCCGGGCGCGGTGGCTCACGCCTGTAATCCCAGCACTTAGGGAGGCCGAGGCGGGTGGATCATGAGGTCAGGNNNNNNNNNNAAAAAAAAAAAAAAAAAAAAAAAAAAGCCTCCAATG[1] (p.Lys503delinsGlyArgAlaArgTrpLeuThrProValIleProAlaLeuArgGluAlaGluAlaGlyGlySerTer)

Gene: RAG2 (recombination activating 2; minus strand). Cytogenetic location: 11p12.
Variant type: Insertion.
Coding change: c.1491_1506A[6]GCCTCCAATGGGCCGGGCGCGGTGGCTCACGCCTGTAATCCCAGCACTTAGGGAGGCCGAGGCGGGTGGATCATGAGGTCAGGNNNNNNNNNNAAAAAAAAAAAAAAAAAAAAAAAAAAGCCTCCAATG[1] on transcript NM_000536.4 (MANE Select).
Protein change: p.Lys503delinsGlyArgAlaArgTrpLeuThrProValIleProAlaLeuArgGluAlaGluAlaGlyGlySerTer.
Molecular consequence: nonsense.
Genome position: GRCh38: chr11:36,592,678-36,592,679. GRCh37 (hg19): chr11:36,614,228-36,614,229.
Other names: c.1491_1506A[6]GCCTCCAATGGGCCGGGCGCGGTGGCTCACGCCTGTAATCCCAGCACTTAGGGAGGCCGAGGCGGGTGGATCATGAGGTCAGGNNNNNNNNNNAAAAAAAAAAAAAAAAAAAAAAAAAAGCCTCCAATG[1], p.Lys503delinsGlyArgAlaArgTrpLeuThrProValIleProAlaLeuArgGluAlaGluAlaGlyGlySerTer (NM_001243785.2, NM_001243786.2).
Identifiers: ClinVar variation 2018007 (VCV002018007.4), dbSNP rs2494786655.

ClinVar aggregate classification (germline): Pathogenic (1 of 4 stars; one submission).

Conditions:
Severe combined immunodeficiency, autosomal recessive, T cell-negative, B cell-negative, NK cell-positive. Also called: Severe combined immunodeficiency due to complete RAG1/2 deficiency; SCID, AR, T-cell negative, B-cell negative, NK cell-positive; SCID, T CELL-NEGATIVE, B CELL-NEGATIVE, NK CELL-POSITIVE. Identifiers: Orphanet 331206, MedGen C1832322, MONDO:0011086, OMIM 601457.
Combined immunodeficiency with skin granulomas. Identifiers: Orphanet 157949, MedGen C2673536, MONDO:0009306, OMIM 233650.

Submission:

Labcorp Genetics (formerly Invitae), Labcorp
Classification: Pathogenic for Combined immunodeficiency with skin granulomas; Severe combined immunodeficiency, autosomal recessive, T cell-negative, B cell-negative, NK cell-positive. Last evaluated: 2022-07-18. Review status: criteria provided, single submitter. Criteria: Invitae Variant Classification Sherloc (09022015). Collection method: clinical testing. Allele origin: germline.
Comment: This variant has not been reported in the literature in individuals affected with RAG2-related conditions. Retrotransposon insertions including LINE1 (L1), Alu, and SVA (SINE-VNTR-Alu) have been reported to be disease-causing through disruption of either a coding region or splice site (PMID: 19763152, 20307669, 22406018) and loss-of-function variants in RAG2 are known to be pathogenic (PMID: 2618670, 21184155). For these reasons, this variant has been classified as Pathogenic. This variant is not present in population databases (gnomAD no frequency). This sequence change inserts a large fragment of DNA, likely a transposable element, in exon 2 of the RAG2 gene (c.1506_1507ins?), causing a frameshift at codon 503 (p.Lys503fs). The exact size and sequence of the insertion cannot be determined by the current assay. However, the insertion is expected to result in an absent or disrupted protein product.

Literature cited by the submitters: PubMed 19763152; PubMed 20307669; PubMed 22406018; PubMed 2618670; PubMed 21184155.